The following is an entry in ClinVar:

ClinVar aggregate classification (germline): Likely benign (1 of 4 stars; one submission).

Allele frequency attached by ClinVar (database versions not stated): ExAC 0.00077; 1000 Genomes Project 30x 0.01390.

Submission:

GeneDx
Classification: Likely benign. Last evaluated: 2018-06-16. Review status: criteria provided, single submitter. Criteria: GeneDx Variant Classification (06012015). Collection method: clinical testing. Allele origin: germline. Affected: yes.
Comment: This variant is considered likely benign or benign based on one or more of the following criteria: it is a conservative change, it occurs at a poorly conserved position in the protein, it is predicted to be benign by multiple in silico algorithms, and/or has population frequency not consistent with disease.

NM_001267550.2(TTN):c.38545+33G>C

Gene: TTN (titin; minus strand). Cytogenetic location: 2q31.2.
Variant type: single nucleotide variant.
Coding change: c.38545+33G>C on transcript NM_001267550.2 (MANE Select); 33 bases into the intron after coding-DNA position 38545, G replaced by C.
Molecular consequence: intron variant.
Genome position (GRCh38, 1-based): chr2:178,653,784, C>G on the plus strand (G>C on the coding strand, the complement: TTN is on the minus strand). VCF-style: chr2-178653784-C-G. GRCh37 (hg19) VCF-style: chr2-179518511-C-G.
Other names: c.13283-11467G>C (NM_003319.4); c.13859-11467G>C (NM_133437.4); c.13658-11467G>C (NM_133432.3); c.31742-1243G>C (NM_133378.4); c.34523-1243G>C (NM_001256850.1).
Identifiers: ClinVar variation 675809 (VCV000675809.1), dbSNP rs761498357, ClinGen allele CA1997111.